The following is an entry in ClinVar:

NM_000064.4(C3):c.2439A>T (p.Lys813Asn)

Gene: C3 (complement C3; minus strand). Cytogenetic location: 19p13.3.
Variant type: single nucleotide variant.
Coding change: c.2439A>T on transcript NM_000064.4 (MANE Select); coding-DNA position 2439, A replaced by T.
Protein change: p.Lys813Asn; replaces lysine 813 with asparagine.
Molecular consequence: missense variant.
Genome position (GRCh38, 1-based): chr19:6,702,128, T>A on the plus strand (A>T on the coding strand, the complement: C3 is on the minus strand). VCF-style: chr19-6702128-T-A. GRCh37 (hg19) VCF-style: chr19-6702139-T-A.
Other names: short protein forms K813N.
Identifiers: ClinVar variation 1381802 (VCV001381802.6), dbSNP rs780300974, ClinGen allele CA9129085.

ClinVar aggregate classification (germline): Uncertain significance (1 of 4 stars; one submission).

Allele frequency attached by ClinVar (database versions not stated): gnomAD exomes 0.00001 and 0.00002; ExAC 0.00002; gnomAD 0.00006; TOPMed 0.00009.
gnomAD v4.1: 20 of 1,575,012 alleles (0.0013%); highest among the groups gnomAD compares: Admixed American, 0.02%; no homozygotes.

Submission:

Labcorp Genetics (formerly Invitae), Labcorp
Classification: Uncertain significance. Last evaluated: 2025-01-10. Review status: criteria provided, single submitter. Criteria: Invitae Variant Classification Sherloc (09022015). Collection method: clinical testing. Allele origin: germline.
Comment: This sequence change replaces lysine, which is basic and polar, with asparagine, which is neutral and polar, at codon 813 of the C3 protein (p.Lys813Asn). This variant is present in population databases (rs780300974, gnomAD 0.009%). This variant has not been reported in the literature in individuals affected with C3-related conditions. ClinVar contains an entry for this variant (Variation ID: 1381802). An algorithm developed to predict the effect of missense changes on protein structure and function (PolyPhen-2) suggests that this variant is likely to be disruptive. In summary, the available evidence is currently insufficient to determine the role of this variant in disease. Therefore, it has been classified as a Variant of Uncertain Significance.